The following is an entry in ClinVar:

ClinVar aggregate classification (germline): Uncertain significance. Review status: criteria provided, multiple submitters, no conflicts (2 of 4 stars). 2 submissions from 2 submitters: Uncertain significance (2). Last evaluated 2025-09-10.

Conditions:
Inborn genetic diseases. Identifiers: MedGen C0950123, MeSH D030342.

Allele frequency attached by ClinVar (database versions not stated): ExAC 0.00001; gnomAD exomes 0.00001 and 0.00002; TOPMed 0.00002; gnomAD 0.00004.
gnomAD v4.1: 23 of 1,612,982 alleles (0.0014%); highest among the groups gnomAD compares: Admixed American, 0.0017%; no homozygotes.

Submissions (2):

Labcorp Genetics (formerly Invitae), Labcorp
Classification: Uncertain significance. Last evaluated: 2025-09-10. Review status: criteria provided, single submitter. Criteria: Invitae Variant Classification Sherloc (09022015). Collection method: clinical testing. Allele origin: germline.
Comment: This sequence change replaces arginine, which is basic and polar, with glutamine, which is neutral and polar, at codon 194 of the CDH2 protein (p.Arg194Gln). This variant is present in population databases (rs773733261, gnomAD 0.003%). This variant has not been reported in the literature in individuals affected with CDH2-related conditions. ClinVar contains an entry for this variant (Variation ID: 1432532). An algorithm developed to predict the effect of missense changes on protein structure and function (PolyPhen-2) suggests that this variant is likely to be disruptive. In summary, the available evidence is currently insufficient to determine the role of this variant in disease. Therefore, it has been classified as a Variant of Uncertain Significance.

Ambry Genetics
Classification: Uncertain significance for Inborn genetic diseases. Last evaluated: 2024-05-11. Review status: criteria provided, single submitter. Criteria: Ambry Variant Classification Scheme 2023. Collection method: clinical testing. Allele origin: germline.
Comment: The p.R194Q variant (also known as c.581G>A), located in coding exon 5 of the CDH2 gene, results from a G to A substitution at nucleotide position 581. The arginine at codon 194 is replaced by glutamine, an amino acid with highly similar properties. This amino acid position is conserved. In addition, this alteration is predicted to be deleterious by in silico analysis. Based on the available evidence, the clinical significance of this variant remains unclear.

NM_001792.5(CDH2):c.581G>A (p.Arg194Gln)

Gene: CDH2 (cadherin 2; minus strand). Cytogenetic location: 18q12.1.
Variant type: single nucleotide variant.
Coding change: c.581G>A on transcript NM_001792.5 (MANE Select); coding-DNA position 581, G replaced by A.
Protein change: p.Arg194Gln; replaces arginine 194 with glutamine.
Molecular consequence: missense variant.
Genome position (GRCh38, 1-based): chr18:28,009,838, C>T on the plus strand (G>A on the coding strand, the complement: CDH2 is on the minus strand). VCF-style: chr18-28009838-C-T. GRCh37 (hg19) VCF-style: chr18-25589802-C-T.
Other names: c.488G>A, p.Arg163Gln (NM_001308176.2); c.581G>A (NM_001792.3); short protein forms R194Q, R163Q.
Identifiers: ClinVar variation 1432532 (VCV001432532.9), dbSNP rs773733261, ClinGen allele CA8923650.
Genomic context (GRCh38, chr18:28,009,838, plus strand): 5'-GGGTTGATAATGAAGATACCAGTTGGAGGCTGGTCAGCTCCTGGCCCAGTTACACTGTAC[C>T]GCAGTGAAAGGTTTTTATCTCTATCAGACCTGATCTGAGGATCAAGAAAACAATGACATT-3'
Protein context (NP_001783.2, residues 184-204): RSDRDKNLSL[Arg194Gln]YSVTGPGADQ